The following is an entry in ClinVar:

ClinVar aggregate classification (germline): Uncertain significance. Review status: criteria provided, multiple submitters, no conflicts (2 of 4 stars). 2 submissions from 2 submitters: Uncertain significance (2). Last evaluated 2025-05-31.

Conditions:
Hereditary cancer-predisposing syndrome. Also called: Tumor predisposition; Hereditary neoplastic syndrome; Neoplastic Syndromes, Hereditary; Hereditary Cancer Syndrome. Identifiers: Orphanet 140162, MedGen C0027672, MeSH D009386, MONDO:0015356.

Submissions (2):

Ambry Genetics
Classification: Uncertain significance for Hereditary cancer-predisposing syndrome. Last evaluated: 2025-05-31. Review status: criteria provided, single submitter. Criteria: Ambry Variant Classification Scheme 2023. Collection method: clinical testing. Allele origin: germline.
Comment: The p.S389G variant (also known as c.1165A>G), located in coding exon 8 of the BMPR1A gene, results from an A to G substitution at nucleotide position 1165. The serine at codon 389 is replaced by glycine, an amino acid with similar properties. This amino acid position is conserved. In addition, the in silico prediction for this alteration is inconclusive. Based on the available evidence, the clinical significance of this variant remains unclear.

Quest Diagnostics Nichols Institute San Juan Capistrano
Classification: Uncertain significance. Last evaluated: 2025-05-02. Review status: criteria provided, single submitter. Criteria: Quest Diagnostics criteria. Collection method: clinical testing. Allele origin: unknown.
Comment: The BMPR1A c.1165A>G (p.Ser389Gly) variant has not been reported in individuals with BMPR1A-related conditions in the published literature. It also has not been reported in large, multi-ethnic general populations (Genome Aggregation Database). Analysis of this variant using bioinformatics tools for the prediction of the effect of amino acid changes on protein structure and function yielded predictions that this variant is damaging. Based on the available information, we are unable to determine the clinical significance of this variant.

NM_004329.3(BMPR1A):c.1165A>G (p.Ser389Gly)

Gene: BMPR1A (bone morphogenetic protein receptor type 1A; plus strand). Cytogenetic location: 10q23.2.
Variant type: single nucleotide variant.
Coding change: c.1165A>G on transcript NM_004329.3 (MANE Select); coding-DNA position 1165, A replaced by G.
Protein change: p.Ser389Gly; replaces serine 389 with glycine.
Molecular consequence: missense variant. On other transcripts: non-coding transcript variant (3).
Genome position (GRCh38, 1-based): chr10:86,919,468, A>G. VCF-style: chr10-86919468-A-G. GRCh37 (hg19) VCF-style: chr10-88679225-A-G.
Other names: c.1165A>G, p.Ser389Gly (NM_001406579.1, NM_001406580.1, NM_001406561.1 and 19 more transcripts); c.1240A>G, p.Ser414Gly (NM_001406559.1); c.1213A>G, p.Ser405Gly (NM_001406560.1); c.1159A>G, p.Ser387Gly (NM_001406583.1); c.1081A>G, p.Ser361Gly (NM_001406584.1, NM_001406585.1, NM_001406586.1 and 2 more transcripts); c.823A>G, p.Ser275Gly (NM_001406589.1); short protein forms S387G, S414G, S389G, S275G, S361G, S405G.
Identifiers: ClinVar variation 3992036 (VCV003992036.2).
Genomic context (GRCh38, chr10:86,919,468, plus strand): 5'-CTCATCAAGAAAAATGGGAGTTGCTGCATTGCTGACCTGGGCCTTGCTGTTAAATTCAAC[A>G]GGTGAGTGGTTCTTTGCCCCACTGTTTTGAAATTATTTTAATTTCCAAAAGATATTTCCC-3'
Protein context (NP_004320.2, residues 379-399): ADLGLAVKFN[Ser389Gly]DTNEVDVPLN